The following is an entry in ClinVar:

NM_001005242.3(PKP2):c.454_456del (p.Pro152del)

Gene: PKP2 (plakophilin 2; minus strand). Cytogenetic location: 12p11.21.
Variant type: Deletion.
Coding change: c.454_456del on transcript NM_001005242.3 (MANE Select); coding-DNA positions 454 to 456, 3 bases deleted (CCT; older notation c.454_456delCCT).
Protein change: p.Pro152del; deletes proline 152.
Molecular consequence: inframe deletion.
Genome position (GRCh38, 1-based): chr12:32,878,424-32,878,426, AGG deleted on the plus strand (CCT on the coding strand, the reverse complement: PKP2 is on the minus strand); deleting any 3 consecutive bases within chr12:32,878,424-32,878,428 gives the same sequence; the c. name uses the placement nearest the transcript's 3' end. VCF-style (leftmost placement, unchanged base first): chr12-32878423-CAGG-C. GRCh37 (hg19) VCF-style: chr12-33031357-CAGG-C.
Other names: c.454_456del, p.Pro152del (NM_004572.4); short protein forms P152del.
Identifiers: ClinVar variation 920410 (VCV000920410.3), dbSNP rs1956955180, ClinGen allele CA913188499.

ClinVar aggregate classification (germline): Uncertain significance (1 of 4 stars; one submission).

Conditions:
Cardiomyopathy (CMYO). Also called: Cardiomyopathies. Identifiers: Orphanet 167848, MedGen C0878544, MONDO:0004994, HP:0001638. Inheritance: Various modes of inheritance.

Submission:

Color Diagnostics, LLC DBA Color Health
Classification: Uncertain significance for Cardiomyopathy. Last evaluated: 2018-12-18. Review status: criteria provided, single submitter. Criteria: ACMG Guidelines, 2015. Collection method: clinical testing. Allele origin: germline.
Comment: Variant of Uncertain Significance due to insufficient evidence: This variant is located in the head domain of the PKP2 protein. To our knowledge, functional assays have not been performed for this variant nor has this variant been reported in individuals affected with cardiovascular disorders in the literature. This variant is rare in the general population and has been identified in 0/277264 chromosomes by the Genome Aggregation Database (gnomAD). Available evidence is insufficient to determine the role of this variant in disease conclusively.